The following is an entry in ClinVar:

ClinVar aggregate classification (germline): Pathogenic. Review status: criteria provided, single submitter (1 of 4 stars). 3 submissions from 2 submitters: Pathogenic (1). 2 of the submissions do not count toward it. Last evaluated 2025-05-05.

Conditions:
Zellweger spectrum disorders (ZS). Also called: Zellweger Spectrum Disorder (ZSD); Zellweger Spectrum Disorder; Zellweger Spectrum; Zellweger syndrome. Identifiers: Orphanet 912, MedGen C0043459, MONDO:0019609.
Peroxisome biogenesis disorder 1B (PBD1B). Also called: Refsum disease, infantile form; Infantile Refsum disease; Infantile form of phytanic acid storage disease; PEROXISOME BIOGENESIS DISORDER (NEONATAL ADRENOLEUKODYSTROPHY/INFANTILE REFSUM DISEASE); INFANTILE PHYTANIC ACID STORAGE DISEASE; PEROXISOME BIOGENESIS DISORDER (NALD/IRD). Identifiers: Orphanet 44, MedGen C0282527, MONDO:0011101, OMIM 601539.
Peroxisome biogenesis disorder 1A (Zellweger) (PBD1A). Also called: Zellweger leukodystrophy; Peroxisome biogenesis disorder 1a. Identifiers: MedGen C4721541, MONDO:0008953, OMIM 214100.

Submissions (3):

Labcorp Genetics (formerly Invitae), Labcorp
Classification: Pathogenic for Zellweger spectrum disorders. Last evaluated: 2025-05-05. Review status: criteria provided, single submitter. Criteria: Invitae Variant Classification Sherloc (09022015). Collection method: clinical testing. Allele origin: germline.
Comment: This sequence change creates a premature translational stop signal (p.Glu508Glyfs*6) in the PEX1 gene. It is expected to result in an absent or disrupted protein product. Loss-of-function variants in PEX1 are known to be pathogenic (PMID: 21031596, 26387595, 31831025). This variant is not present in population databases (gnomAD no frequency). This variant has not been reported in the literature in individuals affected with PEX1-related conditions. ClinVar contains an entry for this variant (Variation ID: 371689). Algorithms developed to predict the effect of sequence changes on RNA splicing suggest that this variant may disrupt the consensus splice site. For these reasons, this variant has been classified as Pathogenic.

Counsyl
Classification: Likely pathogenic for Peroxisome biogenesis disorder 1A (Zellweger). Last evaluated: 2015-11-30. Review status: no assertion criteria provided. Collection method: clinical testing. Allele origin: unknown. Not counted in ClinVar's aggregate classification.

Counsyl
Classification: Likely pathogenic for Peroxisome biogenesis disorder 1B. Last evaluated: 2015-11-30. Review status: no assertion criteria provided. Collection method: clinical testing. Allele origin: unknown. Not counted in ClinVar's aggregate classification.

Literature cited by the submitters: PubMed 21031596 (cited by Labcorp Genetics (formerly Invitae), Labcorp); PubMed 26387595 (cited by Labcorp Genetics (formerly Invitae), Labcorp); PubMed 31831025 (cited by Labcorp Genetics (formerly Invitae), Labcorp).

NM_000466.3(PEX1):c.1522dup (p.Glu508fs)

Gene: PEX1 (peroxisomal biogenesis factor 1; minus strand). Cytogenetic location: 7q21.2.
Variant type: Duplication.
Coding change: c.1522dup on transcript NM_000466.3 (MANE Select); coding-DNA position 1522, one base duplicated (G; older notation c.1522dupG).
Protein change: p.Glu508fs; shifts the reading frame from glutamic acid 508.
Molecular consequence: frameshift variant.
Genome position (GRCh38, 1-based): chr7:92,511,009, C duplicated on the plus strand (G on the coding strand, the reverse complement: PEX1 is on the minus strand); the first of 3 consecutive C bases (chr7:92,511,009-92,511,011); duplicating any one gives the same sequence. VCF-style (leftmost placement, unchanged base first): chr7-92511008-T-TC. GRCh37 (hg19) VCF-style: chr7-92140322-T-TC.
Other names: c.1522dup, p.Glu508fs (NM_001282677.2); c.898dup, p.Glu300fs (NM_001282678.2); short protein forms E508fs, E300fs.
Identifiers: ClinVar variation 371689 (VCV000371689.8), dbSNP rs1057517463, ClinGen allele CA16041166.